The following is an entry in ClinVar:

NM_001851.6(COL9A1):c.1342-7T>G

Gene: COL9A1 (collagen type IX alpha 1 chain; minus strand). Cytogenetic location: 6q13.
Variant type: single nucleotide variant.
Coding change: c.1342-7T>G on transcript NM_001851.6 (MANE Select); 7 bases into the intron before coding-DNA position 1342, T replaced by G.
Molecular consequence: intron variant.
Genome position (GRCh38, 1-based): chr6:70,263,304, A>C on the plus strand (T>G on the coding strand, the complement: COL9A1 is on the minus strand). VCF-style: chr6-70263304-A-C. GRCh37 (hg19) VCF-style: chr6-70973007-A-C.
Other names: c.613-7T>G (NM_078485.4, NM_001377289.1, NM_001377290.1).
Identifiers: ClinVar variation 3036119 (VCV003036119.2), dbSNP rs1771812219, ClinGen allele CA1090283989.

ClinVar aggregate classification (germline): Likely benign (0 of 4 stars; one submission).

Conditions:
COL9A1-related disorder. Also called: COL9A1-related condition; COL9A1-related disorders.

Allele frequency attached by ClinVar (database versions not stated): gnomAD 0.00001; TOPMed 0.00001.
gnomAD v4.1: 1 of 1,603,170 alleles (0.000062%); highest among the groups gnomAD compares: African/African-American, 0.0014%; no homozygotes.

Submission:

PreventionGenetics, part of Exact Sciences
Classification: Likely benign for COL9A1-related condition. Last evaluated: 2024-02-12. Review status: no assertion criteria provided. Collection method: clinical testing. Allele origin: germline.
Comment: This variant is classified as likely benign based on ACMG/AMP sequence variant interpretation guidelines (Richards et al. 2015 PMID: 25741868, with internal and published modifications).